The following is an entry in ClinVar:

ClinVar aggregate classification (germline): Uncertain significance. Review status: criteria provided, multiple submitters, no conflicts (2 of 4 stars). 2 submissions from 2 submitters: Uncertain significance (2). Last evaluated 2026-06-06.

Conditions:
LRRC45-related disorder. Also called: LRRC45-related condition.

Allele frequency attached by ClinVar (database versions not stated): gnomAD 0.00009; TOPMed 0.00014; 1000 Genomes Project 30x 0.00016; ExAC 0.00017; gnomAD exomes 0.00017; 1000 Genomes Project 0.00020; ESP Exome Variant Server 0.00023.
gnomAD v4.1: 254 of 1,607,148 alleles (0.016%); highest among the groups gnomAD compares: Non-Finnish European, 0.021%; no homozygotes.

Submissions (2):

PreventionGenetics, part of Exact Sciences
Classification: Uncertain significance for LRRC45-related condition. Last evaluated: 2026-06-06. Review status: criteria provided, single submitter. Criteria: ACMG Guidelines, 2015. Collection method: clinical testing. Allele origin: germline.
Comment: The LRRC45 c.643G>A variant is predicted to result in the amino acid substitution p.Asp215Asn. To our knowledge, this variant has not been reported in the literature. This variant is reported in 0.022% of alleles in individuals of European (Non-Finnish) descent in gnomAD, which may be too frequent to be a primary cause of disease. Although we suspect that this variant may be benign, at this time, the clinical significance of this variant is uncertain due to the absence of conclusive functional and genetic evidence.

Ambry Genetics
Classification: Uncertain significance. Last evaluated: 2021-08-17. Review status: criteria provided, single submitter. Criteria: Ambry Variant Classification Scheme 2023. Collection method: clinical testing. Allele origin: germline.

NM_144999.4(LRRC45):c.643G>A (p.Asp215Asn)

Gene: LRRC45 (leucine rich repeat containing 45; plus strand). Cytogenetic location: 17q25.3.
Variant type: single nucleotide variant.
Coding change: c.643G>A on transcript NM_144999.4 (MANE Select); coding-DNA position 643, G replaced by A.
Protein change: p.Asp215Asn; replaces aspartic acid 215 with asparagine.
Molecular consequence: missense variant.
Genome position (GRCh38, 1-based): chr17:82,025,489, G>A. VCF-style: chr17-82025489-G-A. GRCh37 (hg19) VCF-style: chr17-79983365-G-A.
Other names: c.643G>A (NM_144999.3); short protein forms D215N.
Identifiers: ClinVar variation 2392200 (VCV002392200.4), dbSNP rs143513889, ClinGen allele CA8847720.